The following is an entry in ClinVar:

ClinVar aggregate classification (germline): Pathogenic (1 of 4 stars; one submission).

Conditions:
Familial thoracic aortic aneurysm and aortic dissection (TAAD). Also called: Thoracic aortic aneurysms and dissections. Identifiers: Orphanet 91387, MedGen C4707243, MONDO:0019625.
Marfan syndrome (MFS). Also called: Marfan syndrome type 1; Marfan's syndrome; Marfan syndrome, classic; MARFAN SYNDROME, TYPE I; FBN1-Related Marfan Syndrome. Identifiers: Orphanet 284963, Orphanet 558, MedGen C0024796, MONDO:0007947, OMIM 154700.

Submission:

Labcorp Genetics (formerly Invitae), Labcorp
Classification: Pathogenic for Marfan syndrome; Familial thoracic aortic aneurysm and aortic dissection. Last evaluated: 2023-12-04. Review status: criteria provided, single submitter. Criteria: Invitae Variant Classification Sherloc (09022015). Collection method: clinical testing. Allele origin: germline.
Comment: This sequence change creates a premature translational stop signal (p.Cys2302*) in the FBN1 gene. It is expected to result in an absent or disrupted protein product. Loss-of-function variants in FBN1 are known to be pathogenic (PMID: 17657824, 19293843). This variant is not present in population databases (gnomAD no frequency). This premature translational stop signal has been observed in individual(s) with Marfan syndrome (PMID: 22005308). It has also been observed to segregate with disease in related individuals. For these reasons, this variant has been classified as Pathogenic.

Literature cited by the submitters: PubMed 17657824; PubMed 19293843; PubMed 22005308.

NM_000138.5(FBN1):c.6906_6907del (p.Cys2302_Glu2303delinsTer)

Gene: FBN1 (fibrillin 1; minus strand). Cytogenetic location: 15q21.1.
Variant type: Microsatellite.
Coding change: c.6906_6907del on transcript NM_000138.5 (MANE Select); coding-DNA positions 6906 to 6907, 2 bases deleted (TG; older notation c.6906_6907delTG).
Protein change: p.Cys2302_Glu2303delinsTer.
Molecular consequence: nonsense.
Genome position (GRCh38, 1-based): chr15:48,428,436-48,428,437, CA deleted on the plus strand (TG on the coding strand, the reverse complement: FBN1 is on the minus strand); deleting any 2 consecutive bases within chr15:48,428,436-48,428,439 gives the same sequence; the c. name uses the placement nearest the transcript's 3' end. VCF-style (leftmost placement, unchanged base first): chr15-48428435-TCA-T. GRCh37 (hg19) VCF-style: chr15-48720632-TCA-T.
Identifiers: ClinVar variation 1071674 (VCV001071674.9), dbSNP rs2141229990, ClinGen allele CA2580613827.
Genomic context (GRCh38, chr15:48,428,435, plus strand): 5'-GTAAACCCATCATTACACTCACAGGTGTAGCTCCCACGGGTGTTGAGGCAGCGCCCATTC[TCA>T]CAGATCCCTGGCTTCGTCTGACATTCATTCTCATCTGTTTGATTTTATTGAAGGACCAAA-3'